The following is an entry in ClinVar:

ClinVar aggregate classification (germline): Uncertain significance (1 of 4 stars; one submission).

Conditions:
POLRMT-related disorder. Also called: POLRMT-related condition.

Submission:

PreventionGenetics, part of Exact Sciences
Classification: Uncertain significance for POLRMT-related condition. Last evaluated: 2026-09-07. Review status: criteria provided, single submitter. Criteria: ACMG Guidelines, 2015. Collection method: clinical testing. Allele origin: germline.
Comment: The POLRMT c.70G>A variant is predicted to result in the amino acid substitution p.Gly24Arg. To our knowledge, this variant has not been reported in the literature or in a large population database (gnomAD), indicating this variant is rare. At this time, the clinical significance of this variant is uncertain due to the absence of conclusive functional and genetic evidence.

NM_005035.4(POLRMT):c.70G>A (p.Gly24Arg)

Genes: POLRMT (RNA polymerase mitochondrial; minus strand), LOC130062833 (ATAC-STARR-seq lymphoblastoid silent region 9611; plus strand). Cytogenetic location: 19p13.3.
Variant type: single nucleotide variant.
Coding change: c.70G>A on transcript NM_005035.4 (MANE Select); coding-DNA position 70, G replaced by A.
Protein change: p.Gly24Arg; replaces glycine 24 with arginine.
Molecular consequence: missense variant. On other transcripts: 5 prime UTR variant (5), non-coding transcript variant (1).
Genome position (GRCh38, 1-based): chr19:633,443, C>T on the plus strand (G>A on the coding strand, the complement: POLRMT is on the minus strand). VCF-style: chr19-633443-C-T. GRCh37 (hg19) VCF-style: chr19-633443-C-T.
Other names: c.70G>A, p.Gly24Arg (NM_001407805.1, NM_001407806.1, NM_001407807.1 and 12 more transcripts); c.-480G>A (NM_001407831.1, NM_001407833.1, NM_001407834.1 and 2 more transcripts); short protein forms G24R.
Identifiers: ClinVar variation 4985807 (VCV004985807.1).